The following is an entry in ClinVar:

NM_001005361.3(DNM2):c.1717C>T (p.Arg573Cys)

Gene: DNM2 (dynamin 2; plus strand). Cytogenetic location: 19p13.2.
Variant type: single nucleotide variant.
Coding change: c.1717C>T on transcript NM_001005361.3 (MANE Select); coding-DNA position 1717, C replaced by T.
Protein change: p.Arg573Cys; replaces arginine 573 with cysteine.
Molecular consequence: missense variant.
Genome position (GRCh38, 1-based): chr19:10,820,025, C>T. VCF-style: chr19-10820025-C-T. GRCh37 (hg19) VCF-style: chr19-10930701-C-T.
Other names: c.1717C>T, p.Arg573Cys (NM_001005360.3, NM_001190716.2); c.1705C>T, p.Arg569Cys (NM_001005362.3, NM_004945.4); short protein forms R573C, R569C.
Identifiers: ClinVar variation 2911858 (VCV002911858.4), dbSNP rs868852976, ClinGen allele CA305262715.
Genomic context (GRCh38, chr19:10,820,025, plus strand): 5'-TCCCTCCACCCTCAGGAGAAAGAGAAGAAGTACATGCTGCCTCTGGACAACCTCAAGATC[C>T]GTGATGTGGAGAAGGGCTTCATGTCCAACAAGCACGTCTTCGCCATCTTCAACACGGAGC-3'
Protein context (NP_001005361.1, residues 563-583): YMLPLDNLKI[Arg573Cys]DVEKGFMSNK

ClinVar aggregate classification (germline): Uncertain significance. Review status: criteria provided, multiple submitters, no conflicts (2 of 4 stars). 2 submissions from 2 submitters: Uncertain significance (2). Last evaluated 2025-12-21.

Conditions:
DNM2-related disorder. Also called: DNM2-related condition.
Charcot-Marie-Tooth disease dominant intermediate B (CMTDIB). Also called: CHARCOT-MARIE-TOOTH NEUROPATHY, DOMINANT INTERMEDIATE B; Charcot-Marie-Tooth disease dominant intermediate 1; CMT DI1; Charcot-Marie-Tooth disease dominant intermediate I. Identifiers: Orphanet 100044, Orphanet 228179, MedGen C1847902, MONDO:0011674, OMIM 606482.

Allele frequency attached by ClinVar (database versions not stated): gnomAD exomes below 0.00001; TOPMed below 0.00001; gnomAD 0.00001.
gnomAD v4.1: 3 of 1,614,030 alleles (0.00019%); highest among the groups gnomAD compares: Non-Finnish European, 0.00025%; no homozygotes.

Submissions (2):

Labcorp Genetics (formerly Invitae), Labcorp
Classification: Uncertain significance for Charcot-Marie-Tooth disease dominant intermediate B. Last evaluated: 2025-12-21. Review status: criteria provided, single submitter. Criteria: Invitae Variant Classification Sherloc (09022015). Collection method: clinical testing. Allele origin: germline.
Comment: This sequence change replaces arginine, which is basic and polar, with cysteine, which is neutral and slightly polar, at codon 573 of the DNM2 protein (p.Arg573Cys). This variant is not present in population databases (gnomAD no frequency). This variant has not been reported in the literature in individuals affected with DNM2-related conditions. ClinVar contains an entry for this variant (Variation ID: 2911858). Invitae Evidence Modeling of protein sequence and biophysical properties (such as structural, functional, and spatial information, amino acid conservation, physicochemical variation, residue mobility, and thermodynamic stability) indicates that this missense variant is expected to disrupt DNM2 protein function with a positive predictive value of 80%. In summary, the available evidence is currently insufficient to determine the role of this variant in disease. Therefore, it has been classified as a Variant of Uncertain Significance.

3billion
Classification: Uncertain significance for DNM2-related disorder. Last evaluated: 2025-09-10. Review status: criteria provided, single submitter. Criteria: ACMG Guidelines, 2015. Collection method: clinical testing. Allele origin: germline. Affected: yes.
Comment: The variant is observed at an extremely low frequency in the gnomAD v4.1.0 dataset (total allele frequency: <0.001%). Predicted Consequence/Location: Missense variant. Missense changes are a common disease-causing mechanism. In silico tool predictions suggest damaging effect of the variant on gene or gene product [REVEL: 0.81 (>=0.6, sensitivity 0.68 and specificity 0.92); 3Cnet: 0.93 (> 0.75, sensitivity 0.96 and precision 0.92)]. The variant has been reported as of uncertain significance (ClinVar ID: VCV002911858). Different missense changes at the same codon have been reported as of uncertain significance (ClinVar ID: VCV000533831). Therefore, this variant is classified as VUS according to the recommendation of ACMG/AMP guideline.